The following is an entry in ClinVar:

ClinVar aggregate classification (germline): Likely benign. Review status: criteria provided, multiple submitters, no conflicts (2 of 4 stars). 3 submissions from 3 submitters: Likely benign (3). Last evaluated 2025-07-01.

Conditions:
Cardiovascular phenotype. Identifiers: MedGen CN230736.

Allele frequency attached by ClinVar (database versions not stated): gnomAD exomes below 0.00001; TOPMed below 0.00001.
gnomAD v4.1: 5 of 1,549,996 alleles (0.00032%); highest among the groups gnomAD compares: African/African-American, 0.0027%; no homozygotes.

Submissions (3):

CeGaT Center for Human Genetics Tuebingen
Classification: Likely benign. Last evaluated: 2025-07-01. Review status: criteria provided, single submitter. Criteria: CeGaT Center For Human Genetics Tuebingen Variant Classification Criteria Version 2. Collection method: clinical testing. Allele origin: germline. Affected: yes. Observed: 1 variant allele.
Comment: ZNF469: BP4, BP7

Labcorp Genetics (formerly Invitae), Labcorp
Classification: Likely benign. Last evaluated: 2023-12-08. Review status: criteria provided, single submitter. Criteria: Invitae Variant Classification Sherloc (09022015). Collection method: clinical testing. Allele origin: germline.

Ambry Genetics
Classification: Likely benign for Cardiovascular phenotype. Last evaluated: 2023-09-23. Review status: criteria provided, single submitter. Criteria: Ambry Variant Classification Scheme 2023. Collection method: clinical testing. Allele origin: germline.

NM_001367624.2(ZNF469):c.10941G>A (p.Glu3647=)

Gene: ZNF469 (zinc finger protein 469; plus strand). Cytogenetic location: 16q24.2.
Variant type: single nucleotide variant.
Coding change: c.10941G>A on transcript NM_001367624.2 (MANE Select); coding-DNA position 10941, G replaced by A.
Protein change: p.Glu3647=; no amino-acid change (glutamic acid 3647 retained).
Molecular consequence: synonymous variant.
Genome position (GRCh38, 1-based): chr16:88,438,411, G>A. VCF-style: chr16-88438411-G-A. GRCh37 (hg19) VCF-style: chr16-88504819-G-A.
Other names: NM_001127464.1:c.10857G>A.
Identifiers: ClinVar variation 2807409 (VCV002807409.12), dbSNP rs1906758075, ClinGen allele CA497359376.